The following is an entry in ClinVar:

ClinVar aggregate classification (germline): Uncertain significance (1 of 4 stars; one submission).

Submission:

Labcorp Genetics (formerly Invitae), Labcorp
Classification: Uncertain significance. Last evaluated: 2023-07-21. Review status: criteria provided, single submitter. Criteria: Invitae Variant Classification Sherloc (09022015). Collection method: clinical testing. Allele origin: germline.
Comment: In summary, the available evidence is currently insufficient to determine the role of this variant in disease. Therefore, it has been classified as a Variant of Uncertain Significance. Algorithms developed to predict the effect of sequence changes on RNA splicing suggest that this variant may disrupt the consensus splice site. ClinVar contains an entry for this variant (Variation ID: 1460538). This variant has not been reported in the literature in individuals affected with COL9A3-related conditions. This variant is not present in population databases (gnomAD no frequency). This sequence change affects a donor splice site in intron 5 of the COL9A3 gene. It is expected to disrupt RNA splicing. Variants that disrupt the donor or acceptor splice site typically lead to a loss of protein function (PMID: 16199547), however the current clinical and genetic evidence is not sufficient to establish whether loss-of-function variants in COL9A3 cause disease.

Literature cited by the submitters: PubMed 16199547.

NM_001853.4(COL9A3):c.309+1G>T

Gene: COL9A3 (collagen type IX alpha 3 chain; plus strand). Cytogenetic location: 20q13.33.
Variant type: single nucleotide variant.
Coding change: c.309+1G>T on transcript NM_001853.4 (MANE Select); the canonical splice donor site of the intron after coding-DNA position 309, G replaced by T.
Molecular consequence: splice donor variant.
Genome position (GRCh38, 1-based): chr20:62,819,983, G>T. VCF-style: chr20-62819983-G-T. GRCh37 (hg19) VCF-style: chr20-61451335-G-T.
Identifiers: ClinVar variation 1460538 (VCV001460538.6), dbSNP rs1991066543, ClinGen allele CA409587835.